The following is an entry in ClinVar:

ClinVar aggregate classification (germline): not provided (0 of 4 stars; one submission).

Allele frequency attached by ClinVar (database versions not stated): gnomAD exomes below 0.00001; ExAC 0.00002.
gnomAD v4.1: 1 of 1,586,560 alleles (0.000063%); highest among the groups gnomAD compares: Non-Finnish European, 0.000086%; no homozygotes.

Submission:

ITMI
No classification provided. Condition: AllHighlyPenetrant. Last evaluated: 2013-09-19. Review status: no classification provided. Collection method: reference population. Allele origin: germline.
Comment: Please see associated publication for description of ethnicities

Literature cited by the submitters: PubMed 24728327.

NM_003482.4(KMT2D):c.13969T>C (p.Ser4657Pro)

Gene: KMT2D (lysine methyltransferase 2D; minus strand). Cytogenetic location: 12q13.12.
Variant type: single nucleotide variant.
Coding change: c.13969T>C on transcript NM_003482.4 (MANE Select); coding-DNA position 13969, T replaced by C.
Protein change: p.Ser4657Pro; replaces serine 4657 with proline.
Molecular consequence: missense variant.
Genome position (GRCh38, 1-based): chr12:49,030,310, A>G on the plus strand (T>C on the coding strand, the complement: KMT2D is on the minus strand). VCF-style: chr12-49030310-A-G. GRCh37 (hg19) VCF-style: chr12-49424093-A-G.
Other names: short protein forms S4657P.
Identifiers: ClinVar variation 134725 (VCV000134725.1), dbSNP rs587778482, ClinGen allele CA160621.